The following is an entry in ClinVar:

ClinVar aggregate classification (germline): Uncertain significance (1 of 4 stars; one submission).

Submission:

Dasa
Classification: Uncertain significance. Last evaluated: 2026-05-21. Review status: criteria provided, single submitter. Criteria: DASA Assertion Criteria. Collection method: clinical testing. Allele origin: germline.
Comment: NM_000726.5(CACNB4):c.1373C>G (p.Ser458Cys) is a missense variant that results in the substitution of serine with cysteine. This variant is rare in population databases. The currently available literature and clinical evidence are not sufficient to establish a definitive association between this variant and the reported condition. Therefore, this variant is classified as a variant of uncertain significance.

NM_000726.5(CACNB4):c.1373C>G (p.Ser458Cys)

Gene: CACNB4 (calcium voltage-gated channel auxiliary subunit beta 4; minus strand). Cytogenetic location: 2q23.3.
Variant type: single nucleotide variant.
Coding change: c.1373C>G on transcript NM_000726.5 (MANE Select); coding-DNA position 1373, C replaced by G.
Protein change: p.Ser458Cys; replaces serine 458 with cysteine.
Molecular consequence: missense variant.
Genome position (GRCh38, 1-based): chr2:151,839,309, G>C on the plus strand (C>G on the coding strand, the complement: CACNB4 is on the minus strand). VCF-style: chr2-151839309-G-C. GRCh37 (hg19) VCF-style: chr2-152695823-G-C.
Other names: c.1187C>G, p.Ser396Cys (NM_001145798.3); c.1232C>G, p.Ser411Cys (NM_001320722.3, NM_001330118.2); c.1130C>G, p.Ser377Cys (NM_001330113.2); c.719C>G, p.Ser240Cys (NM_001330114.2); c.1082C>G, p.Ser361Cys (NM_001330115.2); c.1043C>G, p.Ser348Cys (NM_001330116.2); c.815C>G, p.Ser272Cys (NM_001330117.2); c.1319C>G, p.Ser440Cys (NM_001005746.4); and 1 more; short protein forms S240C, S272C, S348C, S361C, S377C, S396C, S411C, S424C.
Identifiers: ClinVar variation 5020512 (VCV005020512.1).
Genomic context (GRCh38, chr2:151,839,309, plus strand): 5'-GAACTGGAAGACAAGCGGTTCCTACTCTTCCGAGCCCTTTCATTGTGATAATTTTCATCA[G>C]AGGTCATTAGACTTCGTCTTTCAATTGGAGAGTTCTCTGTGGAGTGGTTGCTGTGCCTCA-3'
Protein context (NP_000717.2, residues 448-468): SPIERRSLMT[Ser458Cys]DENYHNERAR